The following is an entry in ClinVar:

ClinVar aggregate classification (germline): Pathogenic. Review status: criteria provided, multiple submitters, no conflicts (2 of 4 stars). 2 submissions from 2 submitters: Pathogenic (2). Last evaluated 2024-08-16.

Allele frequency attached by ClinVar (database versions not stated): TOPMed 0.00002.

Submissions (2):

GeneDx
Classification: Pathogenic. Last evaluated: 2024-08-16. Review status: criteria provided, single submitter. Criteria: GeneDx Variant Classification Process June 2021. Collection method: clinical testing. Allele origin: germline. Affected: yes.
Comment: Frameshift variant predicted to result in protein truncation or nonsense mediated decay in a gene for which loss of function is a known mechanism of disease; Not observed at significant frequency in large population cohorts (gnomAD); This variant is associated with the following publications: (PMID: 20095989)

Labcorp Genetics (formerly Invitae), Labcorp
Classification: Pathogenic. Last evaluated: 2021-10-08. Review status: criteria provided, single submitter. Criteria: Invitae Variant Classification Sherloc (09022015). Collection method: clinical testing. Allele origin: germline.
Comment: For these reasons, this variant has been classified as Pathogenic. This sequence change creates a premature translational stop signal (p.Lys119Glufs*4) in the PRKCSH gene. It is expected to result in an absent or disrupted protein product. Loss-of-function variants in PRKCSH are known to be pathogenic (PMID: 12529853, 12577059, 20095989). This variant is not present in population databases (ExAC no frequency). This premature translational stop signal has been observed in individual(s) with polycystic liver disease (PMID: 20095989).

Literature cited by the submitters: PubMed 12529853 (cited by Labcorp Genetics (formerly Invitae), Labcorp); PubMed 12577059 (cited by Labcorp Genetics (formerly Invitae), Labcorp); PubMed 20095989 (cited by Labcorp Genetics (formerly Invitae), Labcorp).

NM_001289104.2(PRKCSH):c.353dup (p.Lys119fs)

Gene: PRKCSH (PRKCSH beta subunit of glucosidase II; plus strand). Cytogenetic location: 19p13.2.
Variant type: Duplication.
Coding change: c.353dup on transcript NM_001289104.2 (MANE Select); coding-DNA position 353, one base duplicated (A; older notation c.353dupA).
Protein change: p.Lys119fs; shifts the reading frame from lysine 119.
Molecular consequence: frameshift variant.
Genome position (GRCh38, 1-based): chr19:11,441,242, A duplicated. VCF-style (leftmost placement, unchanged base first): chr19-11441241-G-GA. GRCh37 (hg19) VCF-style: chr19-11552056-G-GA.
Other names: c.353dup, p.Lys119fs (NM_001001329.3, NM_001289102.2, NM_001289103.2 and 3 more transcripts); short protein forms K119fs.
Identifiers: ClinVar variation 1435046 (VCV001435046.6), dbSNP rs1970047024, ClinGen allele CA2322936953.